The following is an entry in ClinVar:

NM_002471.4(MYH6):c.5515G>T (p.Val1839Leu)

Gene: MYH6 (myosin heavy chain 6; minus strand). Cytogenetic location: 14q11.2.
Variant type: single nucleotide variant.
Coding change: c.5515G>T on transcript NM_002471.4 (MANE Select); coding-DNA position 5515, G replaced by T.
Protein change: p.Val1839Leu; replaces valine 1839 with leucine.
Molecular consequence: missense variant.
Genome position (GRCh38, 1-based): chr14:23,384,492, C>A on the plus strand (G>T on the coding strand, the complement: MYH6 is on the minus strand). VCF-style: chr14-23384492-C-A. GRCh37 (hg19) VCF-style: chr14-23853701-C-A.
Other names: short protein forms V1839L.
Identifiers: ClinVar variation 664307 (VCV000664307.1), dbSNP rs754865673, ClinGen allele CA7114414.

ClinVar aggregate classification (germline): Uncertain significance (1 of 4 stars; one submission).

Conditions:
Hypertrophic cardiomyopathy 14. Identifiers: MedGen C2750467, MONDO:0013197, OMIM 613251.

Allele frequency attached by ClinVar (database versions not stated): gnomAD exomes below 0.00001; ExAC 0.00001.
gnomAD v4.1: 2 of 1,612,988 alleles (0.00012%); highest among the groups gnomAD compares: Non-Finnish European, 0.00017%; no homozygotes.

Submission:

Labcorp Genetics (formerly Invitae), Labcorp
Classification: Uncertain significance for Familial hypertrophic cardiomyopathy 14. Last evaluated: 2018-12-05. Review status: criteria provided, single submitter. Criteria: Invitae Variant Classification Sherloc (09022015). Collection method: clinical testing. Allele origin: germline.
Comment: This sequence change replaces valine with leucine at codon 1839 of the MYH6 protein (p.Val1839Leu). The valine residue is weakly conserved and there is a small physicochemical difference between valine and leucine. This variant is present in population databases (rs754865673, ExAC 0.001%). This variant has not been reported in the literature in individuals with MYH6-related conditions. Algorithms developed to predict the effect of missense changes on protein structure and function (SIFT, PolyPhen-2, Align-GVGD) all suggest that this variant is likely to be tolerated, but these predictions have not been confirmed by published functional studies and their clinical significance is uncertain. In summary, the available evidence is currently insufficient to determine the role of this variant in disease. Therefore, it has been classified as a Variant of Uncertain Significance.